The following is an entry in ClinVar:

ClinVar aggregate classification (germline): Uncertain significance (1 of 4 stars; one submission).

Conditions:
Neuromuscular disease caused by qualitative or quantitative defects of dysferlin. Also called: Dysferlinopathy; Qualitative or quantitative defects of dysferlin. Identifiers: Orphanet 207073, MedGen C2931687, MONDO:0016145.

Submission:

Labcorp Genetics (formerly Invitae), Labcorp
Classification: Uncertain significance for Neuromuscular disease caused by qualitative or quantitative defects of dysferlin. Last evaluated: 2021-01-13. Review status: criteria provided, single submitter. Criteria: Invitae Variant Classification Sherloc (09022015). Collection method: clinical testing. Allele origin: germline.
Comment: This variant results in a copy number gain of the genomic region encompassing exons 20-30 of the DYSF gene. While the exact position of this variant cannot be determined from this data, sub-genic copy number gains are generally in tandem (PMID: 25640679). This variant would be expected to be in-frame, preserving the integrity of the reading frame. This variant has not been reported in the literature in individuals with DYSF-related conditions. In summary, the available evidence is currently insufficient to determine the role of this variant in disease. Therefore, it has been classified as a Variant of Uncertain Significance.

Literature cited by the submitters: PubMed 25640679.

NC_000002.12:g.(?_71553001)_(71574381_?)dup

Gene: DYSF (dysferlin; plus strand). Cytogenetic location: 2p13.2.
Variant type: Duplication.
Identifiers: ClinVar variation 831514 (VCV000831514.4).